The following is an entry in ClinVar:

ClinVar aggregate classification (germline): Uncertain significance. Review status: criteria provided, single submitter (1 of 4 stars). 2 submissions from 2 submitters: Uncertain significance (1). 1 of the submissions does not count toward it. Last evaluated 2026-06-03.

Conditions:
TBX3-related disorder. Also called: TBX3-related condition.
Inborn genetic diseases. Identifiers: MedGen C0950123, MeSH D030342.

Submissions (2):

Ambry Genetics
Classification: Uncertain significance for Inborn genetic diseases. Last evaluated: 2026-06-03. Review status: criteria provided, single submitter. Criteria: Ambry Variant Classification Scheme 2023. Collection method: clinical testing. Allele origin: germline.

PreventionGenetics, part of Exact Sciences
Classification: Uncertain significance for TBX3-related condition. Last evaluated: 2024-06-25. Review status: no assertion criteria provided. Collection method: clinical testing. Allele origin: germline. Not counted in ClinVar's aggregate classification.
Comment: The TBX3 c.1874G>A variant is predicted to result in the amino acid substitution p.Arg625His. To our knowledge, this variant has not been reported in the literature. This variant is reported in 0.0015% of alleles in individuals of European (Non-Finnish) descent in gnomAD. At this time, the clinical significance of this variant is uncertain due to the absence of conclusive functional and genetic evidence.

NM_005996.4(TBX3):c.1814G>A (p.Arg605His)

Gene: TBX3 (T-box transcription factor 3; minus strand). Cytogenetic location: 12q24.21.
Variant type: single nucleotide variant.
Coding change: c.1814G>A on transcript NM_005996.4 (MANE Select); coding-DNA position 1814, G replaced by A.
Protein change: p.Arg605His; replaces arginine 605 with histidine.
Molecular consequence: missense variant.
Genome position (GRCh38, 1-based): chr12:114,672,199, C>T on the plus strand (G>A on the coding strand, the complement: TBX3 is on the minus strand). VCF-style: chr12-114672199-C-T. GRCh37 (hg19) VCF-style: chr12-115110004-C-T.
Other names: c.1814G>A (NM_005996.3); c.1874G>A, p.Arg625His (NM_016569.4); short protein forms R605H, R625H.
Identifiers: ClinVar variation 3357813 (VCV003357813.2).
Genomic context (GRCh38, chr12:114,672,199, plus strand): 5'-ATGGAGTAGGGGCTGTAGCGCAGCCGCGGGCGCATGGTGTTCAGATTGAGGAAGGGGTGG[C>T]GGTGCACCGAGCTGGAGGCTGCCGCAGAGGAGGCGGCCGCCGCTGCGGCCATGTACGTGT-3'
Protein context (NP_005987.3, residues 595-615): SSAAASSSVH[Arg605His]HPFLNLNTMR